The following is an entry in ClinVar:

ClinVar aggregate classification (germline): Likely pathogenic (1 of 4 stars; one submission).

Submission:

GeneDx
Classification: Likely pathogenic. Last evaluated: 2012-05-18. Review status: criteria provided, single submitter. Criteria: GeneDx Variant Classification (06012015). Collection method: clinical testing. Allele origin: germline. Affected: yes.
Comment: p.Thr80Pro (ACC>CCC): c.238 A>C in exon 3 of the SUCLG1 gene (NM_003849.3) T80P missense change likely associated with a mitochondrial disorder was identified in the SUCLG1 gene. It has not been published as a mutation, nor has it been reported as a benign polymorphism to our knowledge. The amino acid change is non-conservative in that a polar Threonine residue is replaced by a non-polar Proline residue with a unique ring that could affect the secondary structure of the SUCLG1 protein. This change occurs at a conserved position in the SUCLG1 protein, and multiple in-silico analysis programs predict that T80P is damaging to the SUCLG1 protein. Therefore, T80P is a strong candidate for a disease-causing mutation, however the possibility that it is a benign variant cannot be excluded. The variant is found in MITONUC-MITOP panel(s).

NM_003849.4(SUCLG1):c.238A>C (p.Thr80Pro)

Gene: SUCLG1 (succinate-CoA ligase GDP/ADP-forming subunit alpha; minus strand). Cytogenetic location: 2p11.2.
Variant type: single nucleotide variant.
Coding change: c.238A>C on transcript NM_003849.4 (MANE Select); coding-DNA position 238, A replaced by C.
Protein change: p.Thr80Pro; replaces threonine 80 with proline.
Molecular consequence: missense variant.
Genome position (GRCh38, 1-based): chr2:84,443,364, T>G on the plus strand (A>C on the coding strand, the complement: SUCLG1 is on the minus strand). VCF-style: chr2-84443364-T-G. GRCh37 (hg19) VCF-style: chr2-84670488-T-G.
Other names: p.T80P:ACC>CCC; short protein forms T80P.
Identifiers: ClinVar variation 203972 (VCV000203972.2), dbSNP rs796052050, ClinGen allele CA313052.
Genomic context (GRCh38, chr2:84,443,364, plus strand): 5'-CAGGTAAGCCCAGATGTGTCTGGCCTCCTTTCCCTGGAGTGGTTCCTCCAACGAGTTTGG[T>G]GCCATATTCCAATGCCTGCTGGCTGTGAAAGGTGCCCTGAGGGGAAAAAGCACAAGATCC-3'
Protein context (NP_003840.2, residues 70-90): FHSQQALEYG[Thr80Pro]KLVGGTTPGK